The following is an entry in ClinVar:

NM_001458.5(FLNC):c.2830G>A (p.Val944Met)

Gene: FLNC (filamin C; plus strand). Cytogenetic location: 7q32.1.
Variant type: single nucleotide variant.
Coding change: c.2830G>A on transcript NM_001458.5 (MANE Select); coding-DNA position 2830, G replaced by A.
Protein change: p.Val944Met; replaces valine 944 with methionine.
Molecular consequence: missense variant.
Genome position (GRCh38, 1-based): chr7:128,843,814, G>A. VCF-style: chr7-128843814-G-A. GRCh37 (hg19) VCF-style: chr7-128483868-G-A.
Other names: c.2830G>A, p.Val944Met (NM_001127487.2); short protein forms V944M.
Identifiers: ClinVar variation 1426883 (VCV001426883.6), dbSNP rs2128936081, ClinGen allele CA369193382.

ClinVar aggregate classification (germline): Uncertain significance (1 of 4 stars; one submission).

Conditions:
Myofibrillar myopathy 5. Also called: FILAMINOPATHY, AUTOSOMAL DOMINANT; Filaminopathy (type). Identifiers: Orphanet 171445, MedGen C1836050, MONDO:0012289, OMIM 609524.
Distal myopathy with posterior leg and anterior hand involvement. Also called: WILLIAMS DISTAL MYOPATHY. Identifiers: Orphanet 63273, MedGen C3279722, MONDO:0013550, OMIM 614065.
Hypertrophic cardiomyopathy 26. Also called: Cardiomyopathy, familial hypertrophic, 26. Identifiers: Orphanet 75249, MedGen C4310749, MONDO:0014883, OMIM 617047.

Submission:

Labcorp Genetics (formerly Invitae), Labcorp
Classification: Uncertain significance for Distal myopathy with posterior leg and anterior hand involvement; Myofibrillar myopathy 5; Hypertrophic cardiomyopathy 26. Last evaluated: 2023-12-23. Review status: criteria provided, single submitter. Criteria: Invitae Variant Classification Sherloc (09022015). Collection method: clinical testing. Allele origin: germline.
Comment: This sequence change replaces valine, which is neutral and non-polar, with methionine, which is neutral and non-polar, at codon 944 of the FLNC protein (p.Val944Met). This variant is not present in population databases (gnomAD no frequency). This variant has not been reported in the literature in individuals affected with FLNC-related conditions. ClinVar contains an entry for this variant (Variation ID: 1426883). Advanced modeling of protein sequence and biophysical properties (such as structural, functional, and spatial information, amino acid conservation, physicochemical variation, residue mobility, and thermodynamic stability) has been performed at Invitae for this missense variant, however the output from this modeling did not meet the statistical confidence thresholds required to predict the impact of this variant on FLNC protein function. In summary, the available evidence is currently insufficient to determine the role of this variant in disease. Therefore, it has been classified as a Variant of Uncertain Significance.